The following is an entry in ClinVar:

NM_001267550.2(TTN):c.47113del (p.Val15705fs)

Genes: TTN (titin; minus strand), TTN-AS1 (TTN antisense RNA 1; plus strand). Cytogenetic location: 2q31.2.
Variant type: Deletion.
Coding change: c.47113del on transcript NM_001267550.2 (MANE Select); coding-DNA position 47113, one base deleted (G; older notation c.47113delG).
Protein change: p.Val15705fs; shifts the reading frame from valine 15705.
Molecular consequence: frameshift variant.
Genome position (GRCh38, 1-based): chr2:178,618,345, C deleted on the plus strand (G on the coding strand, the reverse complement: TTN is on the minus strand); the first of 3 consecutive C bases (chr2:178,618,345-178,618,347); deleting any one gives the same sequence. VCF-style (leftmost placement, unchanged base first): chr2-178618344-AC-A. GRCh37 (hg19) VCF-style: chr2-179483071-AC-A.
Other names: c.42190del, p.Val14064fs (NM_001256850.1); c.19918del, p.Val6640fs (NM_003319.4); c.39409del, p.Val13137fs (NM_133378.4); c.20293del, p.Val6765fs (NM_133432.3); c.20494del, p.Val6832fs (NM_133437.4); short protein forms V14064fs, V15705fs, V6765fs, V6640fs, V6832fs, V13137fs.
Identifiers: ClinVar variation 4793735 (VCV004793735.1).

ClinVar aggregate classification (germline): Likely pathogenic (1 of 4 stars; one submission).

Conditions:
Autosomal recessive limb-girdle muscular dystrophy type 2J (LGMDR10). Also called: MUSCULAR DYSTROPHY, LIMB-GIRDLE, AUTOSOMAL RECESSIVE 10; Limb-girdle muscular dystrophy, type 2J. Identifiers: Orphanet 140922, MedGen C1837342, MONDO:0012127, OMIM 608807.
Dilated cardiomyopathy 1G (CMD1G). Identifiers: Orphanet 154, MedGen C1858763, MONDO:0011400, OMIM 604145.

Submission:

Labcorp Genetics (formerly Invitae), Labcorp
Classification: Likely pathogenic for Dilated cardiomyopathy 1G; Autosomal recessive limb-girdle muscular dystrophy type 2J. Last evaluated: 2025-04-27. Review status: criteria provided, single submitter. Criteria: Invitae Variant Classification Sherloc (09022015). Collection method: clinical testing. Allele origin: germline.
Comment: This sequence change creates a premature translational stop signal (p.Val15705Phefs*28) in the TTN gene. While this is not anticipated to result in nonsense mediated decay, it is expected to create a truncated TTN protein. This variant is not present in population databases (gnomAD no frequency). This variant has not been reported in the literature in individuals affected with TTN-related conditions. This variant is located in the A band of TTN (PMID: 25589632). Truncating variants in this region are significantly overrepresented in patients affected with dilated cardiomyopathy (PMID: 25589632). Truncating variants in this region have also been reported in individuals affected with autosomal recessive centronuclear myopathy (PMID: 23975875). In summary, the currently available evidence indicates that the variant is pathogenic, but additional data are needed to prove that conclusively. Therefore, this variant has been classified as Likely Pathogenic.

Literature cited by the submitters: PubMed 25589632; PubMed 23975875.